The following is an entry in ClinVar:

NM_001042545.2(LTBP4):c.4165C>T (p.Pro1389Ser)

Gene: LTBP4 (latent transforming growth factor beta binding protein 4; plus strand). Cytogenetic location: 19q13.2.
Variant type: single nucleotide variant.
Coding change: c.4165C>T on transcript NM_001042545.2 (MANE Select); coding-DNA position 4165, C replaced by T.
Protein change: p.Pro1389Ser; replaces proline 1389 with serine.
Molecular consequence: missense variant.
Genome position (GRCh38, 1-based): chr19:40,627,154, C>T. VCF-style: chr19-40627154-C-T. GRCh37 (hg19) VCF-style: chr19-41133059-C-T.
Other names: c.4366C>T, p.Pro1456Ser (NM_001042544.1); c.4255C>T, p.Pro1419Ser (NM_003573.2); short protein forms P1456S, P1389S, P1419S.
Identifiers: ClinVar variation 930148 (VCV000930148.12), dbSNP rs766093064, ClinGen allele CA9449246.
Genomic context (GRCh38, chr19:40,627,154, plus strand): 5'-CCATATGGGCCTGAGTTGTACCCACCACCTGCGCTACCCTACGACCCCTACCCACCGCCA[C>T]CTGGGCCCTTCGCCCGCCGGGAGGCTCCTTATGGGGCACCCCGCTTCGACATGCCAGACT-3'
Protein context (NP_001036010.1, residues 1379-1399): ALPYDPYPPP[Pro1389Ser]GPFARREAPY

ClinVar aggregate classification (germline): Uncertain significance. Review status: criteria provided, multiple submitters, no conflicts (2 of 4 stars). 5 submissions from 5 submitters: Uncertain significance (5). Last evaluated 2025-03-03.

Conditions:
Inborn genetic diseases. Identifiers: MedGen C0950123, MeSH D030342.

Allele frequency attached by ClinVar (database versions not stated): gnomAD 0.00003; TOPMed 0.00005; gnomAD exomes 0.00003; ExAC 0.00002.
gnomAD v4.1: 159 of 1,613,186 alleles (0.0099%); highest among the groups gnomAD compares: Non-Finnish European, 0.013%; no homozygotes.

Submissions (5):

Ambry Genetics
Classification: Uncertain significance for Inborn genetic diseases. Last evaluated: 2025-03-03. Review status: criteria provided, single submitter. Criteria: Ambry Variant Classification Scheme 2023. Collection method: clinical testing. Allele origin: germline.

Women's Health and Genetics/Laboratory Corporation of America, LabCorp
Classification: Uncertain significance. Last evaluated: 2024-03-06. Review status: criteria provided, single submitter. Criteria: LabCorp Variant Classification Summary - May 2015. Collection method: clinical testing. Allele origin: germline.
Comment: Variant summary: LTBP4 c.4252C>T (p.Pro1418Ser) results in a non-conservative amino acid change in the encoded protein sequence. Three of five in-silico tools predict a benign effect of the variant on protein function. The variant allele was found at a frequency of 3.3e-05 in 245964 control chromosomes (gnomAD). The available data on variant occurrences in the general population are insufficient to allow any conclusion about variant significance. To our knowledge, no occurrence of c.4252C>T in individuals affected with Cutis Laxa - LTBP4 Related and no experimental evidence demonstrating its impact on protein function have been reported. ClinVar contains an entry for this variant (Variation ID: 930148). Based on the evidence outlined above, the variant was classified as uncertain significance.

GeneDx
Classification: Uncertain significance. Last evaluated: 2022-08-26. Review status: criteria provided, single submitter. Criteria: GeneDx Variant Classification Process June 2021. Collection method: clinical testing. Allele origin: germline. Affected: yes.
Comment: Not observed at significant frequency in large population cohorts (gnomAD); In silico analysis supports that this missense variant does not alter protein structure/function; Has not been previously published as pathogenic or benign to our knowledge

Labcorp Genetics (formerly Invitae), Labcorp
Classification: Uncertain significance. Last evaluated: 2022-01-15. Review status: criteria provided, single submitter. Criteria: Invitae Variant Classification Sherloc (09022015). Collection method: clinical testing. Allele origin: germline.
Comment: This sequence change replaces proline, which is neutral and non-polar, with serine, which is neutral and polar, at codon 1419 of the LTBP4 protein (p.Pro1419Ser). This variant is present in population databases (rs766093064, gnomAD 0.005%). This variant has not been reported in the literature in individuals affected with LTBP4-related conditions. ClinVar contains an entry for this variant (Variation ID: 930148). Experimental studies and prediction algorithms are not available or were not evaluated, and the functional significance of this variant is currently unknown. In summary, the available evidence is currently insufficient to determine the role of this variant in disease. Therefore, it has been classified as a Variant of Uncertain Significance.

Laboratory for Molecular Medicine, Mass General Brigham Personalized Medicine
Classification: Uncertain significance. Last evaluated: 2019-10-18. Review status: criteria provided, single submitter. Criteria: LMM Criteria. Collection method: clinical testing. Allele origin: germline. Observed: 1 variant allele.
Comment: The p.Pro1456Ser variant in LTBP4 has not been previously reported in individuals with cutis laxa but has been identified in 8/111172 European chromosomes by gnomAD. Computational prediction tools and conservation analyses suggest that this variant may not impact the protein, though this information is not predictive enough to rule out pathogenicity. In summary, the clinical significance of this variant is uncertain. ACMG/AMP Criteria applied: BP4.